The following is an entry in ClinVar:

ClinVar aggregate classification (germline): Uncertain significance (1 of 4 stars; one submission).

Submission:

Labcorp Genetics (formerly Invitae), Labcorp
Classification: Uncertain significance. Last evaluated: 2022-08-23. Review status: criteria provided, single submitter. Criteria: Invitae Variant Classification Sherloc (09022015). Collection method: clinical testing. Allele origin: germline.
Comment: In summary, the available evidence is currently insufficient to determine the role of this variant in disease. Therefore, it has been classified as a Variant of Uncertain Significance. This variant has not been reported in the literature in individuals affected with GRIA3-related conditions. This variant results in a copy number gain of the genomic region encompassing exon(s) 1-2 of the GRIA3 gene. This region includes the initiator codon of the gene. This copy number gain extends beyond the assayed region for this gene and therefore may encompass additional genes. As the precise location of this event is unknown, it may be in tandem or it may be located elsewhere in the genome.

NC_000023.10:g.(?_122318388)_(122319862_?)dup

Gene: GRIA3 (glutamate ionotropic receptor AMPA type subunit 3; plus strand). Cytogenetic location: Xq25.
Variant type: Duplication.
Identifiers: ClinVar variation 1409950 (VCV001409950.5).